The following is an entry in ClinVar:

ClinVar aggregate classification (germline): Uncertain significance. Review status: criteria provided, multiple submitters, no conflicts (2 of 4 stars). 7 submissions from 7 submitters: Uncertain significance (6). 1 of the submissions does not count toward it. Last evaluated 2024-08-02.

Conditions:
CFTR-related disorder (CFTR-RD). Also called: CFTR-related disorders; CFTR-related condition. Identifiers: MedGen C5924204, MONDO:7770004.
Cystic fibrosis (CF). Also called: MUCOVISCIDOSIS. Identifiers: Orphanet 586, MedGen C0010674, MONDO:0009061, OMIM 219700. Disease mechanism: loss of function.

Submissions (7):

Ambry Genetics
Classification: Uncertain significance for Cystic fibrosis. Last evaluated: 2024-08-02. Review status: criteria provided, single submitter. Criteria: Ambry Variant Classification Scheme 2023. Collection method: clinical testing. Allele origin: germline.
Comment: The p.T94I variant (also known as c.1715A>G), located in coding exon 13 of the CFTR gene, results from an A to G substitution at nucleotide position 1715. The threonine at codon 94 is replaced by isoleucine, an amino acid with similar properties. This amino acid position is well conserved in available vertebrate species. In addition, this alteration is predicted to be deleterious by in silico analysis. Based on the available evidence, the clinical significance of this variant remains unclear.

Women's Health and Genetics/Laboratory Corporation of America, LabCorp
Classification: Uncertain significance. Last evaluated: 2024-08-02. Review status: criteria provided, single submitter. Criteria: LabCorp Variant Classification Summary - May 2015. Collection method: clinical testing. Allele origin: germline.

Labcorp Genetics (formerly Invitae), Labcorp
Classification: Uncertain significance for Cystic fibrosis. Last evaluated: 2022-09-14. Review status: criteria provided, single submitter. Criteria: Invitae Variant Classification Sherloc (09022015). Collection method: clinical testing. Allele origin: germline.
Comment: This sequence change replaces aspartic acid, which is acidic and polar, with glycine, which is neutral and non-polar, at codon 572 of the CFTR protein (p.Asp572Gly). This variant is not present in population databases (gnomAD no frequency). This variant has not been reported in the literature in individuals affected with CFTR-related conditions. ClinVar contains an entry for this variant (Variation ID: 994172). Advanced modeling of protein sequence and biophysical properties (such as structural, functional, and spatial information, amino acid conservation, physicochemical variation, residue mobility, and thermodynamic stability) performed at Invitae indicates that this missense variant is expected to disrupt CFTR protein function. In summary, the available evidence is currently insufficient to determine the role of this variant in disease. Therefore, it has been classified as a Variant of Uncertain Significance.

GeneDx
Classification: Uncertain significance. Last evaluated: 2022-04-04. Review status: criteria provided, single submitter. Criteria: GeneDx Variant Classification Process June 2021. Collection method: clinical testing. Allele origin: germline. Affected: yes.
Comment: Not observed at significant frequency in large population cohorts (gnomAD); In silico analysis supports that this missense variant has a deleterious effect on protein structure/function; Has not been previously published as pathogenic or benign to our knowledge

Mayo Clinic Laboratories, Mayo Clinic
Classification: Uncertain significance. Last evaluated: 2022-01-05. Review status: criteria provided, single submitter. Criteria: ACMG Guidelines, 2015. Collection method: clinical testing. Allele origin: germline. Observed: 1 variant allele.
Comment: PP3, PM2

ARUP Laboratories, Molecular Genetics and Genomics, ARUP Laboratories
Classification: Uncertain significance. Last evaluated: 2019-11-08. Review status: criteria provided, single submitter. Criteria: ARUP Molecular Germline Variant Investigation Process. Collection method: clinical testing. Allele origin: germline.
Comment: The CFTR c.1715A>G; p.Asp572Gly variant, to our knowledge, is not reported in the medical literature or gene specific databases. This variant is also absent from general population databases (Exome Variant Server, Genome Aggregation Database), indicating it is not a common polymorphism. The aspartate at codon 572 is highly conserved, and computational analyses (SIFT, PolyPhen-2) predict that this variant is deleterious. Due to limited information, the clinical significance of this CFTR variant is uncertain at this time.

Natera, Inc.
Classification: Uncertain significance for CFTR-related disorders. Last evaluated: 2020-03-17. Review status: no assertion criteria provided. Collection method: clinical testing. Allele origin: germline. Not counted in ClinVar's aggregate classification.

NM_000492.4(CFTR):c.1715A>G (p.Asp572Gly)

Gene: CFTR (CF transmembrane conductance regulator; plus strand). Cytogenetic location: 7q31.2.
Variant type: single nucleotide variant.
Coding change: c.1715A>G on transcript NM_000492.4 (MANE Select); coding-DNA position 1715, A replaced by G.
Protein change: p.Asp572Gly; replaces aspartic acid 572 with glycine.
Molecular consequence: missense variant.
Genome position (GRCh38, 1-based): chr7:117,590,388, A>G. VCF-style: chr7-117590388-A-G. GRCh37 (hg19) VCF-style: chr7-117230442-A-G.
Other names: p.Asp572Gly; c.1715A>G (NM_000492.3); short protein forms D572G.
Identifiers: ClinVar variation 994172 (VCV000994172.15), dbSNP rs1792007322, ClinGen allele CA368977165.